The following is an entry in ClinVar:

NM_014336.5(AIPL1):c.653G>A (p.Trp218Ter)

Gene: AIPL1 (AIP like 1 HSP90 co-chaperone; minus strand). Cytogenetic location: 17p13.2.
Variant type: single nucleotide variant.
Coding change: c.653G>A on transcript NM_014336.5 (MANE Select); coding-DNA position 653, G replaced by A.
Protein change: p.Trp218Ter; replaces tryptophan 218 with a stop codon.
Molecular consequence: nonsense. On other transcripts: intron variant (1).
Genome position (GRCh38, 1-based): chr17:6,426,746, C>T on the plus strand (G>A on the coding strand, the complement: AIPL1 is on the minus strand). VCF-style: chr17-6426746-C-T. GRCh37 (hg19) VCF-style: chr17-6330066-C-T.
Other names: c.464G>A, p.Trp155Ter (NM_001033054.3); c.473G>A, p.Trp158Ter (NM_001033055.3); c.617G>A, p.Trp206Ter (NM_001285399.3); c.587G>A, p.Trp196Ter (NM_001285400.3); c.536G>A, p.Trp179Ter (NM_001285402.2); c.629G>A, p.Trp210Ter (NM_001285403.4); c.643-62G>A (NM_001285401.3); short protein forms W155*, W158*, W179*, W196*, W206*, W210*, W218*.
Identifiers: ClinVar variation 4533378 (VCV004533378.1).

ClinVar aggregate classification (germline): Pathogenic (1 of 4 stars; one submission).

Conditions:
Leber congenital amaurosis (LCA). Also called: Leber's amaurosis. Identifiers: Orphanet 65, MedGen C0339527, MeSH D057130, MONDO:0018998.

gnomAD v4.1: 2 of 1,613,770 alleles (0.00012%); highest among the groups gnomAD compares: South Asian, 0.0022%; no homozygotes.

Submission:

Research Institute for Ophthalmology and Vision Science, Shahid Beheshti University of Medical Sciences
Classification: Pathogenic for Leber congenital amaurosis. Last evaluated: 2025-12-08. Review status: criteria provided, single submitter. Criteria: ACMG Guidelines, 2015. Collection method: research. Allele origin: inherited. Inheritance: Autosomal recessive inheritance. Affected: yes.
Comment: This variant is a Null variant with low frequency in gnomAD, and the patient's phenotype is characteristic of a disease caused by a single genetic factor.